The following is an entry in ClinVar:

NM_022124.6(CDH23):c.1449G>C (p.Leu483=)

Gene: CDH23 (cadherin related 23; plus strand). Cytogenetic location: 10q22.1.
Variant type: single nucleotide variant.
Coding change: c.1449G>C on transcript NM_022124.6 (MANE Select); coding-DNA position 1449, G replaced by C.
Protein change: p.Leu483=; no amino-acid change (leucine 483 retained).
Molecular consequence: synonymous variant.
Genome position (GRCh38, 1-based): chr10:71,646,617, G>C. VCF-style: chr10-71646617-G-C. GRCh37 (hg19) VCF-style: chr10-73406374-G-C.
Other names: c.1449G>C, p.Leu483= (NM_001171930.2, NM_001171931.2, NM_052836.4); c.1449G>C (NM_022124.5).
Identifiers: ClinVar variation 1046141 (VCV001046141.6), dbSNP rs368830397, ClinGen allele CA5543807.

ClinVar aggregate classification (germline): Uncertain significance. Review status: criteria provided, multiple submitters, no conflicts (2 of 4 stars). 2 submissions from 2 submitters: Uncertain significance (2). Last evaluated 2024-12-02.

Allele frequency attached by ClinVar (database versions not stated): TOPMed 0.00002; ESP Exome Variant Server 0.00008.
gnomAD v4.1: 6 of 1,613,854 alleles (0.00037%); highest among the groups gnomAD compares: African/African-American, 0.008%; no homozygotes.

Submissions (2):

GeneDx
Classification: Uncertain significance. Last evaluated: 2024-12-02. Review status: criteria provided, single submitter. Criteria: GeneDx Variant Classification Process June 2021. Collection method: clinical testing. Allele origin: germline. Affected: yes.
Comment: In silico analysis indicates that this variant does not alter splicing; Has not been previously published as pathogenic or benign to our knowledge

Labcorp Genetics (formerly Invitae), Labcorp
Classification: Uncertain significance. Last evaluated: 2024-10-22. Review status: criteria provided, single submitter. Criteria: Invitae Variant Classification Sherloc (09022015). Collection method: clinical testing. Allele origin: germline.
Comment: This sequence change affects codon 483 of the CDH23 mRNA. It is a 'silent' change, meaning that it does not change the encoded amino acid sequence of the CDH23 protein. This variant also falls at the last nucleotide of exon 14, which is part of the consensus splice site for this exon. This variant is present in population databases (rs368830397, gnomAD 0.01%). This variant has not been reported in the literature in individuals affected with CDH23-related conditions. ClinVar contains an entry for this variant (Variation ID: 1046141). Variants that disrupt the consensus splice site are a relatively common cause of aberrant splicing (PMID: 17576681, 9536098). Algorithms developed to predict the effect of sequence changes on RNA splicing suggest that this variant may create or strengthen a splice site. In summary, the available evidence is currently insufficient to determine the role of this variant in disease. Therefore, it has been classified as a Variant of Uncertain Significance.

Literature cited by the submitters: PubMed 17576681 (cited by Labcorp Genetics (formerly Invitae), Labcorp); PubMed 9536098 (cited by Labcorp Genetics (formerly Invitae), Labcorp).